The following is an entry in ClinVar:

ClinVar aggregate classification (germline): Uncertain significance. Review status: criteria provided, multiple submitters, no conflicts (2 of 4 stars). 2 submissions from 2 submitters: Uncertain significance (2). Last evaluated 2024-12-31.

Allele frequency attached by ClinVar (database versions not stated): gnomAD 0.00001; gnomAD exomes 0.00001; TOPMed 0.00002.
gnomAD v4.1: 12 of 1,486,870 alleles (0.00081%); highest among the groups gnomAD compares: African/African-American, 0.0014%; no homozygotes.

Submissions (2):

Ambry Genetics
Classification: Uncertain significance. Last evaluated: 2024-12-31. Review status: criteria provided, single submitter. Criteria: Ambry Variant Classification Scheme 2023. Collection method: clinical testing. Allele origin: germline.

Labcorp Genetics (formerly Invitae), Labcorp
Classification: Uncertain significance. Last evaluated: 2023-04-22. Review status: criteria provided, single submitter. Criteria: Invitae Variant Classification Sherloc (09022015). Collection method: clinical testing. Allele origin: germline.
Comment: In summary, the available evidence is currently insufficient to determine the role of this variant in disease. Therefore, it has been classified as a Variant of Uncertain Significance. An algorithm developed to predict the effect of missense changes on protein structure and function (PolyPhen-2) suggests that this variant is likely to be disruptive. ClinVar contains an entry for this variant (Variation ID: 1516035). This variant has not been reported in the literature in individuals affected with RELB-related conditions. This variant is present in population databases (no rsID available, gnomAD 0.01%). This sequence change replaces proline, which is neutral and non-polar, with serine, which is neutral and polar, at codon 574 of the RELB protein (p.Pro574Ser).

NM_006509.4(RELB):c.1720C>T (p.Pro574Ser)

Gene: RELB (RELB proto-oncogene, NF-kB subunit; plus strand). Cytogenetic location: 19q13.32.
Variant type: single nucleotide variant.
Coding change: c.1720C>T on transcript NM_006509.4 (MANE Select); coding-DNA position 1720, C replaced by T.
Protein change: p.Pro574Ser; replaces proline 574 with serine.
Molecular consequence: missense variant.
Genome position (GRCh38, 1-based): chr19:45,037,770, C>T. VCF-style: chr19-45037770-C-T. GRCh37 (hg19) VCF-style: chr19-45541028-C-T.
Other names: c.1720C>T (NM_006509.3); short protein forms P574S.
Identifiers: ClinVar variation 1516035 (VCV001516035.7), dbSNP rs1424915564, ClinGen allele CA406310518.